The following is an entry in ClinVar:

NM_000051.4(ATM):c.2400del (p.Gly801fs)

Gene: ATM (ATM serine/threonine kinase; plus strand). Cytogenetic location: 11q22.3.
Variant type: Deletion.
Coding change: c.2400del on transcript NM_000051.4 (MANE Select); coding-DNA position 2400, one base deleted (T; older notation c.2400delT).
Protein change: p.Gly801fs; shifts the reading frame from glycine 801.
Molecular consequence: frameshift variant.
Genome position (GRCh38, 1-based): chr11:108,259,009, T deleted. VCF-style (leftmost placement, unchanged base first): chr11-108259008-CT-C. GRCh37 (hg19) VCF-style: chr11-108129735-CT-C.
Other names: c.2400del, p.Gly801fs (NM_001351834.2); short protein forms G801fs.
Identifiers: ClinVar variation 3647319 (VCV003647319.2).

ClinVar aggregate classification (germline): Pathogenic (1 of 4 stars; one submission).

Conditions:
Ataxia-telangiectasia syndrome (AT). Also called: ATAXIA-TELANGIECTASIA, COMPLEMENTATION GROUP A; ATAXIA-TELANGIECTASIA, FRESNO VARIANT; LOUIS-BAR SYNDROME; Ataxia-telangiectasia, complementation group D; Ataxia-telangiectasia, complementation group E; Cerebello-oculocutaneous telangiectasia. Identifiers: Orphanet 100, MedGen C0004135, MONDO:0008840, OMIM 208900.

Submission:

Labcorp Genetics (formerly Invitae), Labcorp
Classification: Pathogenic for Ataxia-telangiectasia syndrome. Last evaluated: 2024-03-30. Review status: criteria provided, single submitter. Criteria: Invitae Variant Classification Sherloc (09022015). Collection method: clinical testing. Allele origin: germline.
Comment: This sequence change creates a premature translational stop signal (p.Gly801Alafs*7) in the ATM gene. It is expected to result in an absent or disrupted protein product. Loss-of-function variants in ATM are known to be pathogenic (PMID: 23807571, 25614872). This variant is not present in population databases (gnomAD no frequency). This variant has not been reported in the literature in individuals affected with ATM-related conditions. For these reasons, this variant has been classified as Pathogenic.

Literature cited by the submitters: PubMed 23807571; PubMed 25614872.